The following is an entry in ClinVar:

ClinVar aggregate classification (germline): Conflicting classifications of pathogenicity. Review status: criteria provided, conflicting classifications (1 of 4 stars). 8 submissions from 8 submitters: Uncertain significance (5); Likely benign (2). 1 of the submissions does not count toward it. Last evaluated 2026-01-16.

Conditions:
Glycogen storage disease, type V (GSD5). Also called: MCARDLE DISEASE; MUSCLE GLYCOGEN PHOSPHORYLASE DEFICIENCY; MYOPHOSPHORYLASE DEFICIENCY; PYGM DEFICIENCY; McArdle type glycogen storage disease. Identifiers: Orphanet 368, MedGen C0017924, MONDO:0009293, OMIM 232600.

Allele frequency attached by ClinVar (database versions not stated): gnomAD exomes 0.00010 and 0.00026; ExAC 0.00025; gnomAD 0.00074 and 0.00077; 1000 Genomes Project 30x 0.00078; 1000 Genomes Project 0.00080; TOPMed 0.00091; ESP Exome Variant Server 0.00092.
gnomAD v4.1: 264 of 1,613,982 alleles (0.016%); highest among the groups gnomAD compares: African/African-American, 0.22%; no homozygotes.

Submissions (9):

Labcorp Genetics (formerly Invitae), Labcorp
Classification: Likely benign for Glycogen storage disease, type V. Last evaluated: 2026-01-16. Review status: criteria provided, single submitter. Criteria: Invitae Variant Classification Sherloc (09022015). Collection method: clinical testing. Allele origin: germline.

GeneDx
Classification: Uncertain significance. Last evaluated: 2024-12-06. Review status: criteria provided, single submitter. Criteria: GeneDx Variant Classification Process June 2021. Collection method: clinical testing. Allele origin: germline. Affected: yes.
Comment: In silico analysis indicates that this missense variant does not alter protein structure/function; Has not been previously published as pathogenic or benign to our knowledge; In silico analysis suggests this variant may impact gene splicing. In the absence of RNA/functional studies, the actual effect of this sequence change is unknown.

Fulgent Genetics
Classification: Likely benign for Glycogen storage disease, type V. Last evaluated: 2024-01-22. Review status: criteria provided, single submitter. Criteria: ACMG Guidelines, 2015. Collection method: clinical testing. Allele origin: germline.

Revvity Omics, Revvity
Classification: Uncertain significance for Glycogen storage disease, type V. Last evaluated: 2023-11-28. Review status: criteria provided, single submitter. Criteria: ACMG Guidelines, 2015. Collection method: clinical testing. Allele origin: germline.

Mayo Clinic Laboratories, Mayo Clinic
Classification: Uncertain significance. Last evaluated: 2019-04-01. Review status: criteria provided, single submitter. Criteria: ACMG Guidelines, 2015. Collection method: clinical testing. Allele origin: germline. Observed: 1 variant allele.

Illumina Laboratory Services, Illumina
Classification: Uncertain significance for Glycogen storage disease, type V. Last evaluated: 2018-01-13. Review status: criteria provided, single submitter. Criteria: ICSL Variant Classification Criteria 13 December 2019. Collection method: clinical testing. Allele origin: germline.

Eurofins Ntd Llc (ga)
Classification: Uncertain significance. Last evaluated: 2016-09-20. Review status: criteria provided, single submitter. Criteria: EGL Classification Definitions 2015. Collection method: clinical testing. Allele origin: germline. Observed: 1 variant allele, 1 heterozygote.

Natera, Inc.
Classification: Uncertain significance for Glycogen storage disease V. Last evaluated: 2020-02-12. Review status: no assertion criteria provided. Collection method: clinical testing. Allele origin: germline. Not counted in ClinVar's aggregate classification.

Dr. Peter K. Rogan Lab, Western University
No classification provided (evidence only). Condition: Hepatocellular carcinoma. Review status: no classification provided. Collection method: in vitro. Allele origin: not applicable. Functional consequence: retained intron. Not counted in ClinVar's aggregate classification.

NM_005609.4(PYGM):c.1787A>G (p.Asn596Ser)

Gene: PYGM (glycogen phosphorylase, muscle associated; minus strand). Cytogenetic location: 11q13.1.
Variant type: single nucleotide variant.
Coding change: c.1787A>G on transcript NM_005609.4 (MANE Select); coding-DNA position 1787, A replaced by G.
Protein change: p.Asn596Ser; replaces asparagine 596 with serine.
Molecular consequence: missense variant.
Genome position (GRCh38, 1-based): chr11:64,751,637, T>C on the plus strand (A>G on the coding strand, the complement: PYGM is on the minus strand). VCF-style: chr11-64751637-T-C. GRCh37 (hg19) VCF-style: chr11-64519109-T-C.
Other names: c.1523A>G, p.Asn508Ser (NM_001164716.1); short protein forms N596S, N508S.
Identifiers: ClinVar variation 291069 (VCV000291069.30), dbSNP rs150622626, ClinGen allele CA6079735.